The following is an entry in ClinVar:

NM_212552.3(BOLA3):c.259-1G>C

Gene: BOLA3 (bolA family member 3; minus strand). Cytogenetic location: 2p13.1.
Variant type: single nucleotide variant.
Coding change: c.259-1G>C on transcript NM_212552.3 (MANE Select); the canonical splice acceptor site of the intron before coding-DNA position 259, G replaced by C.
Molecular consequence: splice acceptor variant.
Genome position (GRCh38, 1-based): chr2:74,135,659, C>G on the plus strand (G>C on the coding strand, the complement: BOLA3 is on the minus strand). VCF-style: chr2-74135659-C-G. GRCh37 (hg19) VCF-style: chr2-74362786-C-G.
Other names: c.170-1G>C (NM_001035505.2).
Identifiers: ClinVar variation 2577215 (VCV002577215.1), dbSNP rs2528311007, ClinGen allele CA347310089.
Genomic context (GRCh38, chr2:74,135,659, plus strand): 5'-TTTGGGGACAGAGGTAAATATCCGCAATCCATGCATCTCTTTGATTTCTTCTTTTAGTGC[C>G]TAAGTAAGAAAACAGCATCATCAGTTTTTGTGTATTTGACGTTGATTACAGTAATTCTCT-3'

ClinVar aggregate classification (germline): Likely pathogenic (1 of 4 stars; one submission).

Conditions:
Multiple mitochondrial dysfunctions syndrome 2 (MMDS2). Also called: MULTIPLE MITOCHONDRIAL DYSFUNCTIONS SYNDROME 2 WITH HYPERGLYCINEMIA. Identifiers: Orphanet 401874, MedGen C3280378, MONDO:0013675, OMIM 614299.

Submission:

Women's Health and Genetics/Laboratory Corporation of America, LabCorp
Classification: Likely pathogenic for Multiple mitochondrial dysfunctions syndrome 2. Last evaluated: 2023-07-11. Review status: criteria provided, single submitter. Criteria: LabCorp Variant Classification Summary - May 2015. Collection method: clinical testing. Allele origin: germline.
Comment: Variant summary: BOLA3 c.259-1G>C is located in a canonical splice-site and is predicted to affect mRNA splicing resulting in a significantly altered protein due to either exon skipping, shortening, or inclusion of intronic material. Several computational tools predict a significant impact on normal splicing: Four predict the variant abolishes a 3' acceptor site. However, these predictions have yet to be confirmed by functional studies. The variant was absent in 251334 control chromosomes. To our knowledge, no occurrence of c.259-1G>C in individuals affected with Multiple Mitochondrial Dysfunctions Syndrome 2 and no experimental evidence demonstrating its impact on protein function have been reported. No submitters have cited clinical-significance assessments for this variant to ClinVar after 2014. Based on the evidence outlined above, the variant was classified as likely pathogenic.